The following is an entry in ClinVar:

ClinVar aggregate classification (germline): Uncertain significance (1 of 4 stars; one submission).

Conditions:
Hereditary cancer-predisposing syndrome. Also called: Neoplastic Syndromes, Hereditary; Tumor predisposition; Hereditary neoplastic syndrome; Hereditary Cancer Syndrome. Identifiers: Orphanet 140162, MedGen C0027672, MeSH D009386, MONDO:0015356.

Submission:

Ambry Genetics
Classification: Uncertain significance for Hereditary cancer-predisposing syndrome. Last evaluated: 2024-05-17. Review status: criteria provided, single submitter. Criteria: Ambry Variant Classification Scheme 2023. Collection method: clinical testing. Allele origin: germline.
Comment: The p.Q198R variant (also known as c.593A>G), located in coding exon 5 of the SMARCB1 gene, results from an A to G substitution at nucleotide position 593. The glutamine at codon 198 is replaced by arginine, an amino acid with highly similar properties. This amino acid position is conserved. In addition, this alteration is predicted to be deleterious by in silico analysis. Based on the available evidence, the clinical significance of this variant remains unclear.

NM_003073.5(SMARCB1):c.593A>G (p.Gln198Arg)

Gene: SMARCB1 (SWI/SNF related BAF chromatin remodeling complex subunit B1; plus strand). Cytogenetic location: 22q11.23.
Variant type: single nucleotide variant.
Coding change: c.593A>G on transcript NM_003073.5 (MANE Select); coding-DNA position 593, A replaced by G.
Protein change: p.Gln198Arg; replaces glutamine 198 with arginine.
Molecular consequence: missense variant.
Genome position (GRCh38, 1-based): chr22:23,803,387, A>G. VCF-style: chr22-23803387-A-G. GRCh37 (hg19) VCF-style: chr22-24145574-A-G.
Other names: c.566A>G, p.Gln189Arg (NM_001007468.3); c.620A>G, p.Gln207Arg (NM_001317946.2); c.647A>G, p.Gln216Arg (NM_001362877.2); short protein forms Q189R, Q216R, Q198R, Q207R.
Identifiers: ClinVar variation 3320817 (VCV003320817.1).